The following is an entry in ClinVar:

ClinVar aggregate classification (germline): Pathogenic (1 of 4 stars; one submission).

Conditions:
Hereditary cancer-predisposing syndrome. Also called: Tumor predisposition; Hereditary neoplastic syndrome; Neoplastic Syndromes, Hereditary; Hereditary Cancer Syndrome. Identifiers: Orphanet 140162, MedGen C0027672, MeSH D009386, MONDO:0015356.

Submission:

Ambry Genetics
Classification: Pathogenic for Hereditary cancer-predisposing syndrome. Last evaluated: 2025-05-20. Review status: criteria provided, single submitter. Criteria: Ambry Variant Classification Scheme 2023. Collection method: clinical testing. Allele origin: germline.
Comment: The c.768_778del11 pathogenic mutation, located in coding exon 5 of the CHEK2 gene, results from a deletion of 11 nucleotides at nucleotide positions 768 to 778, causing a translational frameshift with a predicted alternate stop codon (p.A257Sfs*11). This variant is considered to be rare based on population cohorts in the Genome Aggregation Database (gnomAD). This alteration is expected to result in loss of function by premature protein truncation or nonsense-mediated mRNA decay. As such, this alteration is interpreted as a disease-causing mutation.

NM_007194.4(CHEK2):c.768_778del (p.Ala257fs)

Gene: CHEK2 (checkpoint kinase 2; minus strand). Cytogenetic location: 22q12.1.
Variant type: Deletion.
Coding change: c.768_778del on transcript NM_007194.4 (MANE Select); coding-DNA positions 768 to 778, 11 bases deleted (TGCTATTGGTT).
Protein change: p.Ala257fs; shifts the reading frame from alanine 257.
Molecular consequence: frameshift variant.
Genome position (GRCh38, 1-based): chr22:28,711,923-28,711,933, AACCAATAGCA deleted on the plus strand (TGCTATTGGTT on the coding strand, the reverse complement: CHEK2 is on the minus strand); deleting any 11 consecutive bases within chr22:28,711,923-28,711,936 gives the same sequence; the c. name uses the placement nearest the transcript's 3' end. VCF-style (leftmost placement, unchanged base first): chr22-28711922-GAACCAATAGCA-G. GRCh37 (hg19) VCF-style: chr22-29107910-GAACCAATAGCA-G.
Other names: c.894_904delGTTTGCTATTG, p.Ala300Serfs (NM_001005735.3); c.102_112delGTTTGCTATTG, p.Ala36Serfs (NM_001257387.3); c.564_574delGTTTGCTATTG, p.Ala190Serfs (NM_001349956.3); c.765_775delGTTTGCTATTG, p.Ala257Serfs (NM_145862.3); short protein forms A190fs, A257fs, A300fs, A36fs.
Identifiers: ClinVar variation 4002267 (VCV004002267.1).
Genomic context (GRCh38, chr22:28,711,922, plus strand): 5'-ATGAAGACGTGTTAATAAAAGGTGATCAGCCTTTTATTGGTACTTACTGCCTCTCTTGCT[GAACCAATAGCA>G]AACTTCCTTTTGCTGATGATCTTTATGGCTACTTTCTTACATGTTTTCCTCTCGAAAGCC-3'